The following is an entry in ClinVar:

ClinVar aggregate classification (germline): Uncertain significance. Review status: criteria provided, multiple submitters, no conflicts (2 of 4 stars). 2 submissions from 2 submitters: Uncertain significance (2). Last evaluated 2025-12-20.

Conditions:
Hereditary cancer-predisposing syndrome. Also called: Neoplastic Syndromes, Hereditary; Hereditary Cancer Syndrome; Hereditary neoplastic syndrome; Tumor predisposition. Identifiers: Orphanet 140162, MedGen C0027672, MeSH D009386, MONDO:0015356.
Oligodontia-cancer predisposition syndrome. Also called: TOOTH AGENESIS-COLORECTAL CANCER SYNDROME. Identifiers: Orphanet 300576, MedGen C1837750, MONDO:0012075, OMIM 608615. Disease mechanism: loss of function.

Submissions (2):

Ambry Genetics
Classification: Uncertain significance for Hereditary cancer-predisposing syndrome. Last evaluated: 2025-12-20. Review status: criteria provided, single submitter. Criteria: Ambry Variant Classification Scheme 2023. Collection method: clinical testing. Allele origin: germline.
Comment: The p.H540Y variant (also known as c.1618C>T), located in coding exon 5 of the AXIN2 gene, results from a C to T substitution at nucleotide position 1618. The histidine at codon 540 is replaced by tyrosine, an amino acid with similar properties. This amino acid position is conserved. In addition, this alteration is predicted to be tolerated by in silico analysis. Based on the available evidence, the clinical significance of this variant remains unclear.

Labcorp Genetics (formerly Invitae), Labcorp
Classification: Uncertain significance for Oligodontia-cancer predisposition syndrome. Last evaluated: 2024-06-26. Review status: criteria provided, single submitter. Criteria: Invitae Variant Classification Sherloc (09022015). Collection method: clinical testing. Allele origin: germline.
Comment: This sequence change replaces histidine, which is basic and polar, with tyrosine, which is neutral and polar, at codon 540 of the AXIN2 protein (p.His540Tyr). This variant is not present in population databases (gnomAD no frequency). This variant has not been reported in the literature in individuals affected with AXIN2-related conditions. Advanced modeling of protein sequence and biophysical properties (such as structural, functional, and spatial information, amino acid conservation, physicochemical variation, residue mobility, and thermodynamic stability) performed at Invitae indicates that this missense variant is not expected to disrupt AXIN2 protein function with a negative predictive value of 80%. In summary, the available evidence is currently insufficient to determine the role of this variant in disease. Therefore, it has been classified as a Variant of Uncertain Significance.

NM_004655.4(AXIN2):c.1618C>T (p.His540Tyr)

Gene: AXIN2 (axin 2; minus strand). Cytogenetic location: 17q24.1.
Variant type: single nucleotide variant.
Coding change: c.1618C>T on transcript NM_004655.4 (MANE Select); coding-DNA position 1618, C replaced by T.
Protein change: p.His540Tyr; replaces histidine 540 with tyrosine.
Molecular consequence: missense variant.
Genome position (GRCh38, 1-based): chr17:65,537,418, G>A on the plus strand (C>T on the coding strand, the complement: AXIN2 is on the minus strand). VCF-style: chr17-65537418-G-A. GRCh37 (hg19) VCF-style: chr17-63533536-G-A.
Other names: c.1618C>T, p.His540Tyr (NM_001363813.1); short protein forms H540Y.
Identifiers: ClinVar variation 3615695 (VCV003615695.3).
Genomic context (GRCh38, chr17:65,537,418, plus strand): 5'-TGGAGTGGCTTTTGCATTTCGAGTAGCAGTAATACTCGCTGCCCCCAGGGCAGAAGCAGT[G>A]CACCCGCTGCGTGGCCTCCGCCTCGATCTCCTCCTTGGTCTTGGGGACGGCATGGTGGTG-3'
Protein context (NP_004646.3, residues 530-550): EIEAEATQRV[His540Tyr]CFCPGGSEYY